The following is an entry in ClinVar:

NM_005629.4(SLC6A8):c.1411C>T (p.Gln471Ter)

Gene: SLC6A8 (solute carrier family 6 member 8; plus strand). Cytogenetic location: Xq28.
Variant type: single nucleotide variant.
Coding change: c.1411C>T on transcript NM_005629.4 (MANE Select); coding-DNA position 1411, C replaced by T.
Protein change: p.Gln471Ter; replaces glutamine 471 with a stop codon.
Molecular consequence: nonsense.
Genome position (GRCh38, 1-based): chrX:153,694,362, C>T. VCF-style: chrX-153694362-C-T. GRCh37 (hg19) VCF-style: chrX-152959817-C-T.
Other names: c.1381C>T, p.Gln461Ter (NM_001142805.2); c.1066C>T, p.Gln356Ter (NM_001142806.1); short protein forms Q471*, Q461*, Q356*.
Identifiers: ClinVar variation 449367 (VCV000449367.2), dbSNP rs1557045475, ClinGen allele CA415087360.

ClinVar aggregate classification (germline): Pathogenic (1 of 4 stars; one submission).

Submission:

GeneDx
Classification: Pathogenic. Last evaluated: 2017-07-13. Review status: criteria provided, single submitter. Criteria: GeneDx Variant Classification (06012015). Collection method: clinical testing. Allele origin: germline. Affected: yes.
Comment: This variant is predicted to cause loss of normal protein function either through protein truncation or nonsense-mediated mRNA decay. The Q471X variant is not observed in large population cohorts (Lek et al., 2016; 1000 Genomes Consortium et al., 2015; Exome Variant Server). We interpret Q471X as a pathogenic variant.